The following is an entry in ClinVar:

ClinVar aggregate classification (germline): Likely benign (0 of 4 stars; one submission).

Conditions:
IFT140-related disorder. Also called: IFT140-related condition.

Allele frequency attached by ClinVar (database versions not stated): gnomAD exomes below 0.00001; TOPMed below 0.00001.

Submission:

PreventionGenetics, part of Exact Sciences
Classification: Likely benign for IFT140-related condition. Last evaluated: 2020-04-17. Review status: no assertion criteria provided. Collection method: clinical testing. Allele origin: germline.
Comment: This variant is classified as likely benign based on ACMG/AMP sequence variant interpretation guidelines (Richards et al. 2015 PMID: 25741868, with internal and published modifications).

NM_014714.4(IFT140):c.2034C>T (p.Asn678=)

Gene: IFT140 (intraflagellar transport 140; minus strand). Cytogenetic location: 16p13.3.
Variant type: single nucleotide variant.
Coding change: c.2034C>T on transcript NM_014714.4 (MANE Select); coding-DNA position 2034, C replaced by T.
Protein change: p.Asn678=; no amino-acid change (asparagine 678 retained).
Molecular consequence: synonymous variant.
Genome position (GRCh38, 1-based): chr16:1,564,030, G>A on the plus strand (C>T on the coding strand, the complement: IFT140 is on the minus strand). VCF-style: chr16-1564030-G-A. GRCh37 (hg19) VCF-style: chr16-1614031-G-A.
Identifiers: ClinVar variation 3055088 (VCV003055088.2), dbSNP rs1248177030, ClinGen allele CA492923156.
Genomic context (GRCh38, chr16:1,564,030, plus strand): 5'-AACTCAAATACAACAGGCAGAGCGTACCGCAGGGCCAGCGCGCCCATCTTGGGGCTGCCC[G>A]TTTGCAGACTGAGGCTGGGAGCGCGGCGTCTCCTGCACGGCTTCGCATACAAACAGCCGG-3'
Protein context (NP_055529.2, residues 668-688): ETPRSQPQSA[Asn678=]GQPQDGRAGP